The following is an entry in ClinVar:

NM_000424.4(KRT5):c.357C>A (p.Gly119=)

Gene: KRT5 (keratin 5; minus strand). Cytogenetic location: 12q13.13.
Variant type: single nucleotide variant.
Coding change: c.357C>A on transcript NM_000424.4 (MANE Select); coding-DNA position 357, C replaced by A.
Protein change: p.Gly119=; no amino-acid change (glycine 119 retained).
Molecular consequence: synonymous variant.
Genome position (GRCh38, 1-based): chr12:52,519,940, G>T on the plus strand (C>A on the coding strand, the complement: KRT5 is on the minus strand). VCF-style: chr12-52519940-G-T. GRCh37 (hg19) VCF-style: chr12-52913724-G-T.
Identifiers: ClinVar variation 309569 (VCV000309569.5), dbSNP rs138218183, ClinGen allele CA6582856.
Genomic context (GRCh38, chr12:52,519,940, plus strand): 5'-ACCTCCAGGAGGGCAGACAGGAAAGCCAGGGCCACCGAAGCCACCTCCAAAGCCAGCTCC[G>T]CCACCGAGCCCAAAGCCACCACCAGCTCCACCGCCGAAACCAAATCCACTACCGGCACCA-3'
Protein context (NP_000415.2, residues 109-129): GGAGGGFGLG[Gly119=]GAGFGGGFGG

ClinVar aggregate classification (germline): Likely benign (1 of 4 stars; one submission).

Conditions:
Epidermolysis bullosa simplex. Also called: Epidermolysis bullosa simplex, Weber-Cockayne type (subtype); Epidermolysis bullosa simplex, Dowling-Meara type (subtype); Epidermolysis bullosa simplex with mottled pigmentation (subtype). Identifiers: Orphanet 304, MedGen C0079298, MONDO:0017610.

Allele frequency attached by ClinVar (database versions not stated): TOPMed 0.00005.
gnomAD v4.1: 119 of 1,612,382 alleles (0.0074%); highest among the groups gnomAD compares: Middle Eastern, 0.033%; no homozygotes.

Submission:

Illumina Laboratory Services, Illumina
Classification: Likely benign for Epidermolysis bullosa simplex. Last evaluated: 2018-01-12. Review status: criteria provided, single submitter. Criteria: ICSL Variant Classification Criteria 13 December 2019. Collection method: clinical testing. Allele origin: germline.
Comment: This variant was observed in the ICSL laboratory as part of a predisposition screen in an ostensibly healthy population. It had not been previously curated by ICSL or reported in the Human Gene Mutation Database (HGMD: prior to June 1st, 2018), and was therefore a candidate for classification through an automated scoring system. Utilizing variant allele frequency, disease prevalence and penetrance estimates, and inheritance mode, an automated score was calculated to assess if this variant is too frequent to cause the disease. Based on the score and internal cut-off values, a variant classified as likely benign is not then subjected to further curation. The score for this variant resulted in a classification of likely benign for this disease.